The following is an entry in ClinVar:

NM_006019.4(TCIRG1):c.2486A>G (p.Asp829Gly)

Gene: TCIRG1 (T cell immune regulator 1, ATPase H+ transporting V0 subunit a3; plus strand). Cytogenetic location: 11q13.2.
Variant type: single nucleotide variant.
Coding change: c.2486A>G on transcript NM_006019.4 (MANE Select); coding-DNA position 2486, A replaced by G.
Protein change: p.Asp829Gly; replaces aspartic acid 829 with glycine.
Molecular consequence: missense variant.
Genome position (GRCh38, 1-based): chr11:68,050,812, A>G. VCF-style: chr11-68050812-A-G. GRCh37 (hg19) VCF-style: chr11-67818279-A-G.
Other names: c.1592A>G, p.Asp531Gly (NM_001351059.2); c.1838A>G, p.Asp613Gly (NM_006053.4); short protein forms D531G, D613G, D829G.
Identifiers: ClinVar variation 991518 (VCV000991518.5), dbSNP rs147175413, ClinGen allele CA6147557.
Genomic context (GRCh38, chr11:68,050,812, plus strand): 5'-AGAACAAGTTCTACTCAGGCACGGGCTACAAGCTGAGTCCCTTCACCTTCGCTGCCACAG[A>G]TGACTAGGGCCCACTGCAGGTCCTGCCAGACCTCCTTCCTGACCTCTGAGGCAGGAGAGG-3'
Protein context (NP_006010.2, residues 819-830): KLSPFTFAAT[Asp829Gly]D

ClinVar aggregate classification (germline): Uncertain significance. Review status: criteria provided, single submitter (1 of 4 stars). 2 submissions from 2 submitters: Uncertain significance (1). 1 of the submissions does not count toward it. Last evaluated 2024-12-12.

Conditions:
Autosomal recessive osteopetrosis 1. Also called: ALBERS-SCHONBERG DISEASE, AUTOSOMAL RECESSIVE; TCIRG1-Related Osteopetrosis; TCIRG1-Related Autosomal Recessive Osteopetrosis. Identifiers: Orphanet 667, MedGen C1850127, MONDO:0009815, OMIM 259700.

Allele frequency attached by ClinVar (database versions not stated): TOPMed below 0.00001; ExAC 0.00001; gnomAD exomes 0.00001.
gnomAD v4.1: 5 of 1,613,402 alleles (0.00031%); highest among the groups gnomAD compares: Admixed American, 0.0083%; no homozygotes.

Submissions (2):

Labcorp Genetics (formerly Invitae), Labcorp
Classification: Uncertain significance. Last evaluated: 2024-12-12. Review status: criteria provided, single submitter. Criteria: Invitae Variant Classification Sherloc (09022015). Collection method: clinical testing. Allele origin: germline.
Comment: This sequence change replaces aspartic acid, which is acidic and polar, with glycine, which is neutral and non-polar, at codon 829 of the TCIRG1 protein (p.Asp829Gly). This variant is present in population databases (rs147175413, gnomAD 0.006%). This variant has not been reported in the literature in individuals affected with TCIRG1-related conditions. ClinVar contains an entry for this variant (Variation ID: 991518). An algorithm developed to predict the effect of missense changes on protein structure and function outputs the following: PolyPhen-2: "Benign". The glycine amino acid residue is found in multiple mammalian species, which suggests that this missense change does not adversely affect protein function. Algorithms developed to predict the effect of sequence changes on RNA splicing suggest that this variant may create or strengthen a splice site. In summary, the available evidence is currently insufficient to determine the role of this variant in disease. Therefore, it has been classified as a Variant of Uncertain Significance.

Natera, Inc.
Classification: Uncertain significance for Infantile malignant osteopetrosis. Last evaluated: 2020-04-16. Review status: no assertion criteria provided. Collection method: clinical testing. Allele origin: germline. Not counted in ClinVar's aggregate classification.